The following is an entry in ClinVar:

ClinVar aggregate classification (germline): Uncertain significance. Review status: criteria provided, multiple submitters, no conflicts (2 of 4 stars). 3 submissions from 3 submitters: Uncertain significance (3). Last evaluated 2026-05-28.

Conditions:
Inborn genetic diseases. Identifiers: MedGen C0950123, MeSH D030342.
Aortic valve disease 2 (AOVD2). Identifiers: MedGen C3542024, MONDO:0013902, OMIM 614823.

Allele frequency attached by ClinVar (database versions not stated): ExAC 0.00001.
gnomAD v4.1: 1 of 1,608,678 alleles (0.000062%); highest among the groups gnomAD compares: Admixed American, 0.0017%; no homozygotes.

Submissions (3):

Ambry Genetics
Classification: Uncertain significance for Inborn genetic diseases. Last evaluated: 2026-05-28. Review status: criteria provided, single submitter. Criteria: Ambry Variant Classification Scheme 2023. Collection method: clinical testing. Allele origin: germline.
Comment: The p.V400L variant (also known as c.1198G>C), located in coding exon 4 of the SMAD6 gene, results from a G to C substitution at nucleotide position 1198. The valine at codon 400 is replaced by leucine, an amino acid with highly similar properties. This amino acid position is conserved. In addition, this alteration is predicted to be deleterious by in silico analysis. Based on the available evidence, the clinical significance of this variant remains unclear.

GeneDx
Classification: Uncertain significance. Last evaluated: 2025-04-27. Review status: criteria provided, single submitter. Criteria: GeneDx Variant Classification Process June 2021. Collection method: clinical testing. Allele origin: germline. Affected: yes.
Comment: Not observed at significant frequency in large population cohorts (gnomAD); In silico analysis supports that this missense variant has a deleterious effect on protein structure/function; Has not been previously published as pathogenic or benign to our knowledge

Labcorp Genetics (formerly Invitae), Labcorp
Classification: Uncertain significance for Aortic valve disease 2. Last evaluated: 2023-10-13. Review status: criteria provided, single submitter. Criteria: Invitae Variant Classification Sherloc (09022015). Collection method: clinical testing. Allele origin: germline.
Comment: This sequence change replaces valine, which is neutral and non-polar, with leucine, which is neutral and non-polar, at codon 400 of the SMAD6 protein (p.Val400Leu). This variant is present in population databases (rs762357095, gnomAD 0.003%). This variant has not been reported in the literature in individuals affected with SMAD6-related conditions. Advanced modeling of protein sequence and biophysical properties (such as structural, functional, and spatial information, amino acid conservation, physicochemical variation, residue mobility, and thermodynamic stability) has been performed at Invitae for this missense variant, however the output from this modeling did not meet the statistical confidence thresholds required to predict the impact of this variant on SMAD6 protein function. In summary, the available evidence is currently insufficient to determine the role of this variant in disease. Therefore, it has been classified as a Variant of Uncertain Significance.

NM_005585.5(SMAD6):c.1198G>C (p.Val400Leu)

Gene: SMAD6 (SMAD family member 6; plus strand). Cytogenetic location: 15q22.31.
Variant type: single nucleotide variant.
Coding change: c.1198G>C on transcript NM_005585.5 (MANE Select); coding-DNA position 1198, G replaced by C.
Protein change: p.Val400Leu; replaces valine 400 with leucine.
Molecular consequence: missense variant. On other transcripts: non-coding transcript variant (1).
Genome position (GRCh38, 1-based): chr15:66,781,242, G>C. VCF-style: chr15-66781242-G-C. GRCh37 (hg19) VCF-style: chr15-67073580-G-C.
Other names: c.1198G>C (NM_005585.4); short protein forms V400L.
Identifiers: ClinVar variation 2977000 (VCV002977000.5), dbSNP rs762357095, ClinGen allele CA7626747.